The following is an entry in ClinVar:

NM_004628.5(XPC):c.1921T>C (p.Tyr641His)

Gene: XPC (XPC complex subunit, DNA damage recognition and repair factor; minus strand). Cytogenetic location: 3p25.1.
Variant type: single nucleotide variant.
Coding change: c.1921T>C on transcript NM_004628.5 (MANE Select); coding-DNA position 1921, T replaced by C.
Protein change: p.Tyr641His; replaces tyrosine 641 with histidine.
Molecular consequence: missense variant. On other transcripts: intron variant (1).
Genome position (GRCh38, 1-based): chr3:14,156,447, A>G on the plus strand (T>C on the coding strand, the complement: XPC is on the minus strand). VCF-style: chr3-14156447-A-G. GRCh37 (hg19) VCF-style: chr3-14197947-A-G.
Other names: c.1342T>C, p.Tyr448His (NM_001354726.2); c.1903T>C, p.Tyr635His (NM_001354729.2); c.1675T>C, p.Tyr559His (NM_001354730.2); c.1872+1564T>C (NM_001354727.2); short protein forms Y641H, Y635H, Y448H, Y559H.
Identifiers: ClinVar variation 135467 (VCV000135467.1), dbSNP rs587778758, ClinGen allele CA162859.

ClinVar aggregate classification (germline): not provided (0 of 4 stars; one submission).

Allele frequency attached by ClinVar (database versions not stated): ExAC 0.00001; gnomAD exomes 0.00001 and 0.00003; TOPMed 0.00002.
gnomAD v4.1: 43 of 1,614,040 alleles (0.0027%); highest among the groups gnomAD compares: Non-Finnish European, 0.0035%; no homozygotes.

Submission:

ITMI
No classification provided. Condition: AllHighlyPenetrant. Last evaluated: 2013-09-19. Review status: no classification provided. Collection method: reference population. Allele origin: germline.
Comment: Please see associated publication for description of ethnicities

Literature cited by the submitters: PubMed 24728327.